The following is an entry in ClinVar:

ClinVar aggregate classification (germline): Uncertain significance (1 of 4 stars; one submission).

Submission:

Labcorp Genetics (formerly Invitae), Labcorp
Classification: Uncertain significance. Last evaluated: 2025-06-15. Review status: criteria provided, single submitter. Criteria: Invitae Variant Classification Sherloc (09022015). Collection method: clinical testing. Allele origin: germline.
Comment: This sequence change replaces phenylalanine, which is neutral and non-polar, with leucine, which is neutral and non-polar, at codon 371 of the BPTF protein (p.Phe371Leu). This variant is not present in population databases (gnomAD no frequency). This variant has not been reported in the literature in individuals affected with BPTF-related conditions. An algorithm developed to predict the effect of missense changes on protein structure and function (PolyPhen-2) suggests that this variant is likely to be disruptive. In summary, the available evidence is currently insufficient to determine the role of this variant in disease. Therefore, it has been classified as a Variant of Uncertain Significance.

NM_182641.4(BPTF):c.1111T>C (p.Phe371Leu)

Gene: BPTF (bromodomain PHD finger transcription factor; plus strand). Cytogenetic location: 17q24.2.
Variant type: single nucleotide variant.
Coding change: c.1111T>C on transcript NM_182641.4 (MANE Select); coding-DNA position 1111, T replaced by C.
Protein change: p.Phe371Leu; replaces phenylalanine 371 with leucine.
Molecular consequence: missense variant.
Genome position (GRCh38, 1-based): chr17:67,854,437, T>C. VCF-style: chr17-67854437-T-C. GRCh37 (hg19) VCF-style: chr17-65850553-T-C.
Other names: c.1111T>C, p.Phe371Leu (NM_001439139.1, NM_001439140.1, NM_001439141.1 and 4 more transcripts); short protein forms F371L.
Identifiers: ClinVar variation 4721160 (VCV004721160.1).